The following is an entry in ClinVar:

ClinVar aggregate classification (germline): Uncertain significance (1 of 4 stars; one submission).

Conditions:
Hereditary spastic paraplegia 30. Identifiers: Orphanet 101010, MedGen C5235139, MONDO:0012476.
Neuropathy, hereditary sensory, type 2C. Also called: Hereditary sensory and autonomic neuropathy type IIC; KIF1A-Related HSAN2 (HSAN2C). Identifiers: Orphanet 970, MedGen C3280168, MONDO:0013634, OMIM 614213.
Intellectual disability, autosomal dominant 9 (NESCAVS). Also called: NESCAV SYNDROME; KIF1A-Related Neurodevelopmental Disorder. Identifiers: Orphanet 662367, MedGen C5393830, MONDO:0013656, OMIM 614255.

gnomAD v4.1: 1 of 1,611,620 alleles (0.000062%); no homozygotes.

Submission:

Labcorp Genetics (formerly Invitae), Labcorp
Classification: Uncertain significance for Hereditary spastic paraplegia 30; Neuropathy, hereditary sensory, type 2C; Intellectual disability, autosomal dominant 9. Last evaluated: 2024-02-26. Review status: criteria provided, single submitter. Criteria: Invitae Variant Classification Sherloc (09022015). Collection method: clinical testing. Allele origin: germline.
Comment: This sequence change replaces valine, which is neutral and non-polar, with leucine, which is neutral and non-polar, at codon 1092 of the KIF1A protein (p.Val1092Leu). This variant is not present in population databases (gnomAD no frequency). This variant has not been reported in the literature in individuals affected with KIF1A-related conditions. ClinVar contains an entry for this variant (Variation ID: 2177201). Advanced modeling of protein sequence and biophysical properties (such as structural, functional, and spatial information, amino acid conservation, physicochemical variation, residue mobility, and thermodynamic stability) performed at Invitae indicates that this missense variant is not expected to disrupt KIF1A protein function with a negative predictive value of 95%. In summary, the available evidence is currently insufficient to determine the role of this variant in disease. Therefore, it has been classified as a Variant of Uncertain Significance.

NM_001244008.2(KIF1A):c.3577G>C (p.Val1193Leu)

Gene: KIF1A (kinesin family member 1A; minus strand). Cytogenetic location: 2q37.3.
Variant type: single nucleotide variant.
Coding change: c.3577G>C on transcript NM_001244008.2 (MANE Select); coding-DNA position 3577, G replaced by C.
Protein change: p.Val1193Leu; replaces valine 1193 with leucine.
Molecular consequence: missense variant.
Genome position (GRCh38, 1-based): chr2:240,743,949, C>G on the plus strand (G>C on the coding strand, the complement: KIF1A is on the minus strand). VCF-style: chr2-240743949-C-G. GRCh37 (hg19) VCF-style: chr2-241683366-C-G.
Other names: c.3301G>C, p.Val1101Leu (NM_001320705.2, NM_001330289.2, NM_001379638.1); c.3376G>C, p.Val1126Leu (NM_001330290.2, NM_001379634.1, NM_001379635.1 and 1 more transcripts); c.3652G>C, p.Val1218Leu (NM_001379631.1); c.3526G>C, p.Val1176Leu (NM_001379632.1); c.3550G>C, p.Val1184Leu (NM_001379633.1, NM_001379642.1, NM_001379645.1); c.3274G>C, p.Val1092Leu (NM_001379636.1, NM_001379639.1, NM_001379641.1 and 6 more transcripts); c.3349G>C, p.Val1117Leu (NM_001379637.1, NM_001379648.1); c.3271G>C, p.Val1091Leu (NM_001379640.1); short protein forms V1184L, V1091L, V1126L, V1176L, V1092L, V1101L, V1117L, V1218L.
Identifiers: ClinVar variation 2177201 (VCV002177201.4), dbSNP rs768492405, ClinGen allele CA351316657.